The following is an entry in ClinVar:

ClinVar aggregate classification (germline): Uncertain significance. Review status: criteria provided, multiple submitters, no conflicts (2 of 4 stars). 2 submissions from 2 submitters: Uncertain significance (2). Last evaluated 2025-09-26.

Conditions:
Inborn genetic diseases. Identifiers: MedGen C0950123, MeSH D030342.

Allele frequency attached by ClinVar (database versions not stated): TOPMed 0.00001; gnomAD exomes 0.00002; gnomAD 0.00003.
gnomAD v4.1: 30 of 1,563,918 alleles (0.0019%); highest among the groups gnomAD compares: Non-Finnish European, 0.0023%; no homozygotes.

Submissions (2):

Ambry Genetics
Classification: Uncertain significance for Inborn genetic diseases. Last evaluated: 2025-09-26. Review status: criteria provided, single submitter. Criteria: Ambry Variant Classification Scheme 2023. Collection method: clinical testing. Allele origin: germline.

Labcorp Genetics (formerly Invitae), Labcorp
Classification: Uncertain significance. Last evaluated: 2022-11-14. Review status: criteria provided, single submitter. Criteria: Invitae Variant Classification Sherloc (09022015). Collection method: clinical testing. Allele origin: germline.
Comment: Advanced modeling of protein sequence and biophysical properties (such as structural, functional, and spatial information, amino acid conservation, physicochemical variation, residue mobility, and thermodynamic stability) performed at Invitae indicates that this missense variant is not expected to disrupt PCGF2 protein function. This sequence change replaces proline, which is neutral and non-polar, with threonine, which is neutral and polar, at codon 297 of the PCGF2 protein (p.Pro297Thr). The frequency data for this variant in the population databases is considered unreliable, as metrics indicate poor data quality at this position in the gnomAD database. This variant has not been reported in the literature in individuals affected with PCGF2-related conditions. In summary, the available evidence is currently insufficient to determine the role of this variant in disease. Therefore, it has been classified as a Variant of Uncertain Significance.

NM_007144.3(PCGF2):c.889C>A (p.Pro297Thr)

Genes: CISD3 (CDGSH iron sulfur domain 3; plus strand), PCGF2 (polycomb group ring finger 2; minus strand). Cytogenetic location: 17q12.
Variant type: single nucleotide variant.
Coding change: c.889C>A on transcript NM_007144.3 (MANE Select); coding-DNA position 889, C replaced by A.
Protein change: p.Pro297Thr; replaces proline 297 with threonine.
Molecular consequence: missense variant. On other transcripts: 3 prime UTR variant (1).
Genome position (GRCh38, 1-based): chr17:38,735,369, G>T on the plus strand (C>A on the coding strand, the complement: PCGF2 is on the minus strand). VCF-style: chr17-38735369-G-T. GRCh37 (hg19) VCF-style: chr17-36891622-G-T.
Other names: c.889C>A (NM_007144.2); c.*1914G>T (NM_001136498.2); c.889C>A, p.Pro297Thr (NM_001369614.1, NM_001369615.1); short protein forms P297T.
Identifiers: ClinVar variation 2152547 (VCV002152547.5), dbSNP rs1003229373, ClinGen allele CA290331778.